The following is an entry in ClinVar:

NM_000440.3(PDE6A):c.1997T>C (p.Ile666Thr)

Gene: PDE6A (phosphodiesterase 6A; minus strand). Cytogenetic location: 5q32.
Variant type: single nucleotide variant.
Coding change: c.1997T>C on transcript NM_000440.3 (MANE Select); coding-DNA position 1997, T replaced by C.
Protein change: p.Ile666Thr; replaces isoleucine 666 with threonine.
Molecular consequence: missense variant.
Genome position (GRCh38, 1-based): chr5:149,884,509, A>G on the plus strand (T>C on the coding strand, the complement: PDE6A is on the minus strand). VCF-style: chr5-149884509-A-G. GRCh37 (hg19) VCF-style: chr5-149264072-A-G.
Other names: c.1997T>C (NM_000440.2); short protein forms I666T.
Identifiers: ClinVar variation 1449225 (VCV001449225.6), dbSNP rs1472501176, ClinGen allele CA361693261.

ClinVar aggregate classification (germline): Uncertain significance. Review status: criteria provided, single submitter (1 of 4 stars). 2 submissions from 2 submitters: Uncertain significance (1). 1 of the submissions does not count toward it. Last evaluated 2022-03-03.

Conditions:
PDE6A-related disorder. Also called: PDE6A-related condition.

gnomAD v4.1: 1 of 1,613,654 alleles (0.000062%); no homozygotes.

Submissions (2):

Labcorp Genetics (formerly Invitae), Labcorp
Classification: Uncertain significance. Last evaluated: 2022-03-03. Review status: criteria provided, single submitter. Criteria: Invitae Variant Classification Sherloc (09022015). Collection method: clinical testing. Allele origin: germline.
Comment: This sequence change replaces isoleucine, which is neutral and non-polar, with threonine, which is neutral and polar, at codon 666 of the PDE6A protein (p.Ile666Thr). This variant is not present in population databases (gnomAD no frequency). This variant has not been reported in the literature in individuals affected with PDE6A-related conditions. Algorithms developed to predict the effect of missense changes on protein structure and function (SIFT, PolyPhen-2, Align-GVGD) all suggest that this variant is likely to be disruptive. In summary, the available evidence is currently insufficient to determine the role of this variant in disease. Therefore, it has been classified as a Variant of Uncertain Significance.

PreventionGenetics, part of Exact Sciences
Classification: Uncertain significance for PDE6A-related condition. Last evaluated: 2024-09-24. Review status: no assertion criteria provided. Collection method: clinical testing. Allele origin: germline. Not counted in ClinVar's aggregate classification.
Comment: The PDE6A c.1997T>C variant is predicted to result in the amino acid substitution p.Ile666Thr. To our knowledge, this variant has not been reported in the literature or in a large population database, indicating this variant is rare. At this time, the clinical significance of this variant is uncertain due to the absence of conclusive functional and genetic evidence.